The following is an entry in ClinVar:

NM_001378964.1(CDON):c.2467T>G (p.Ser823Ala)

Gene: CDON (cell adhesion associated, oncogene regulated; minus strand). Cytogenetic location: 11q24.2.
Variant type: single nucleotide variant.
Coding change: c.2467T>G on transcript NM_001378964.1 (MANE Select); coding-DNA position 2467, T replaced by G.
Protein change: p.Ser823Ala; replaces serine 823 with alanine.
Molecular consequence: missense variant.
Genome position (GRCh38, 1-based): chr11:125,994,948, A>C on the plus strand (T>G on the coding strand, the complement: CDON is on the minus strand). VCF-style: chr11-125994948-A-C. GRCh37 (hg19) VCF-style: chr11-125864843-A-C.
Other names: c.2467T>G, p.Ser823Ala (NM_001243597.3, NM_016952.6); short protein forms S823A.
Identifiers: ClinVar variation 2417083 (VCV002417083.6), dbSNP rs764628885, ClinGen allele CA6351714.
Genomic context (GRCh38, chr11:125,994,948, plus strand): 5'-TCTGAGTATCGCTGACAGCCTCTGTGTATGCAATGTGAGGTCCAGTTATTGGACGGCTGG[A>C]AAAGCGATTGGGGAACCCAACCACTTGATAAGGACGAGATGCTGAACTCCGAAAACTCTC-3'
Protein context (NP_001365893.1, residues 813-833): YQVVGFPNRF[Ser823Ala]SRPITGPHIA

ClinVar aggregate classification (germline): Uncertain significance (1 of 4 stars; one submission).

Conditions:
Holoprosencephaly 11 (HPE11). Identifiers: Orphanet 2162, MedGen C3280215, MONDO:0013642, OMIM 614226.

Allele frequency attached by ClinVar (database versions not stated): gnomAD exomes below 0.00001; ExAC 0.00001; TOPMed 0.00001.
gnomAD v4.1: 5 of 1,614,078 alleles (0.00031%); highest among the groups gnomAD compares: Non-Finnish European, 0.00034%; no homozygotes.

Submission:

Labcorp Genetics (formerly Invitae), Labcorp
Classification: Uncertain significance for Holoprosencephaly 11. Last evaluated: 2022-12-07. Review status: criteria provided, single submitter. Criteria: Invitae Variant Classification Sherloc (09022015). Collection method: clinical testing. Allele origin: germline.
Comment: This sequence change replaces serine, which is neutral and polar, with alanine, which is neutral and non-polar, at codon 823 of the CDON protein (p.Ser823Ala). In summary, the available evidence is currently insufficient to determine the role of this variant in disease. Therefore, it has been classified as a Variant of Uncertain Significance. Advanced modeling of protein sequence and biophysical properties (such as structural, functional, and spatial information, amino acid conservation, physicochemical variation, residue mobility, and thermodynamic stability) performed at Invitae indicates that this missense variant is not expected to disrupt CDON protein function. This variant has not been reported in the literature in individuals affected with CDON-related conditions. This variant is present in population databases (rs764628885, gnomAD 0.002%).